The following is an entry in ClinVar:

NM_130384.3(ATRIP):c.85C>G (p.Pro29Ala)

Genes: ATRIP (ATR interacting protein; plus strand), ATRIP-TREX1 (ATRIP-TREX1 readthrough; plus strand), LOC129936703 (ATAC-STARR-seq lymphoblastoid silent region 14331; plus strand). Cytogenetic location: 3p21.31.
Variant type: single nucleotide variant.
Coding change: c.85C>G on transcript NM_130384.3 (MANE Select); coding-DNA position 85, C replaced by G.
Protein change: p.Pro29Ala; replaces proline 29 with alanine.
Molecular consequence: missense variant. On other transcripts: non-coding transcript variant (1), intron variant (1).
Genome position (GRCh38, 1-based): chr3:48,446,930, C>G. VCF-style: chr3-48446930-C-G. GRCh37 (hg19) VCF-style: chr3-48488334-C-G.
Other names: c.85C>G, p.Pro29Ala (NM_032166.4); c.-218+131C>G (NM_001271022.2); short protein forms P29A.
Identifiers: ClinVar variation 2599262 (VCV002599262.3), dbSNP rs530772573, ClinGen allele CA352702675.

ClinVar aggregate classification (germline): Uncertain significance (1 of 4 stars; one submission).

Allele frequency attached by ClinVar (database versions not stated): gnomAD exomes below 0.00001; TOPMed below 0.00001.
gnomAD v4.1: 6 of 1,454,334 alleles (0.00041%); highest among the groups gnomAD compares: South Asian, 0.0058%; no homozygotes.

Submission:

Ambry Genetics
Classification: Uncertain significance. Last evaluated: 2025-02-14. Review status: criteria provided, single submitter. Criteria: Ambry Variant Classification Scheme 2023. Collection method: clinical testing. Allele origin: germline.
Comment: The p.P29A variant (also known as c.85C>G), located in coding exon 1 of the ATRIP gene, results from a C to G substitution at nucleotide position 85. The proline at codon 29 is replaced by alanine, an amino acid with highly similar properties. This amino acid position is conserved. In addition, this alteration is predicted to be tolerated by in silico analysis. Based on the available evidence, the clinical significance of this variant remains unclear.